The following is an entry in ClinVar:

ClinVar aggregate classification (germline): Likely benign (1 of 4 stars; one submission).

gnomAD v4.1: 31 of 1,571,928 alleles (0.002%); highest among the groups gnomAD compares: Admixed American, 0.0075%; no homozygotes.

Submission:

CeGaT Center for Human Genetics Tuebingen
Classification: Likely benign. Last evaluated: 2026-06-01. Review status: criteria provided, single submitter. Criteria: CeGaT Center For Human Genetics Tuebingen Variant Classification Criteria Version 2. Collection method: clinical testing. Allele origin: germline. Affected: yes. Observed: 1 variant allele.
Comment: ZSCAN10: BP4, BP7

NM_032805.3(ZSCAN10):c.1422C>T (p.Thr474=)

Gene: ZSCAN10 (zinc finger and SCAN domain containing 10; minus strand). Cytogenetic location: 16p13.3.
Variant type: single nucleotide variant.
Coding change: c.1422C>T on transcript NM_032805.3 (MANE Select); coding-DNA position 1422, C replaced by T.
Protein change: p.Thr474=; no amino-acid change (threonine 474 retained).
Molecular consequence: synonymous variant.
Genome position (GRCh38, 1-based): chr16:3,090,012, G>A on the plus strand (C>T on the coding strand, the complement: ZSCAN10 is on the minus strand). VCF-style: chr16-3090012-G-A. GRCh37 (hg19) VCF-style: chr16-3140013-G-A.
Other names: c.240C>T, p.Thr80= (NM_001282415.2, NM_001365273.1); c.1011C>T, p.Thr337= (NM_001282416.2); c.876C>T, p.Thr292= (NM_001365272.1).
Identifiers: ClinVar variation 4872409 (VCV004872409.2).